The following is an entry in ClinVar:

ClinVar aggregate classification (germline): Likely pathogenic (1 of 4 stars; one submission).

Conditions:
Polycystic kidney disease 4 (PKD4). Also called: POLYCYSTIC KIDNEY AND HEPATIC DISEASE 1; POLYCYSTIC KIDNEY DISEASE, INFANTILE, TYPE I; POLYCYSTIC KIDNEY DISEASE 4 WITH OR WITHOUT POLYCYSTIC LIVER DISEASE; PKD3; Autosomal Recessive Polycystic Kidney Disease – PKHD1. Identifiers: MedGen C4540575, MONDO:0033004, OMIM 263200.

Submission:

Myriad Genetics, Inc.
Classification: Likely pathogenic for Polycystic kidney disease 4. Last evaluated: 2021-12-16. Review status: criteria provided, single submitter. Criteria: Myriad Women's Health Autosomal Recessive and X-Linked Classification Criteria (2021). Collection method: clinical testing. Allele origin: unknown.
Comment: NM_138694.3(PKHD1):c.6147del1ins18(C2050Dfs*15) is expected to be pathogenic in the context of autosomal recessive polycystic kidney disease, PKHD1-related. This variant is predicted to lead to an abnormal or absent protein product due to the creation of a premature termination codon in PKHD1, a gene where loss-of-function variants are known to be pathogenic. Please note: this variant was assessed in the context of healthy population screening.

NM_138694.4(PKHD1):c.6147delinsAGATGTGTATAAGAGCAG (p.Cys2050fs)

Gene: PKHD1 (PKHD1 ciliary IPT domain containing fibrocystin/polyductin; minus strand). Cytogenetic location: 6p12.2.
Variant type: Indel.
Coding change: c.6147delinsAGATGTGTATAAGAGCAG on transcript NM_138694.4 (MANE Select); coding-DNA position 6147, C replaced by AGATGTGTATAAGAGCAG.
Protein change: p.Cys2050fs; shifts the reading frame from cysteine 2050.
Molecular consequence: frameshift variant.
Genome position (GRCh38, 1-based): chr6:51,912,551, G replaced by CTGCTCTTATACACATCT on the plus strand (C replaced by AGATGTGTATAAGAGCAG on the coding strand, the reverse complement: PKHD1 is on the minus strand). VCF-style: chr6-51912551-G-CTGCTCTTATACACATCT. GRCh37 (hg19) VCF-style: chr6-51777349-G-CTGCTCTTATACACATCT.
Other names: c.6147delinsAGATGTGTATAAGAGCAG, p.Cys2050fs (NM_170724.3); short protein forms C2050fs.
Identifiers: ClinVar variation 1726380 (VCV001726380.2), dbSNP rs2536684326, ClinGen allele CA2580075504.
Genomic context (GRCh38, chr6:51,912,551, plus strand): 5'-GTCCACAGCATCTTCTAAAGCCAGCACTGTGTCTAGGGCATGGGCAGTTGCTCTAAGACA[G>CTGCTCTTATACACATCT]GTGACAATTACTTCTGGTAGTGAACCTAAAGCAGCCCGAGGAAAAGTTGTCCAGATAATT-3'